The following is an entry in ClinVar:

ClinVar aggregate classification (germline): Uncertain significance (1 of 4 stars; one submission).

Submission:

GeneDx
Classification: Uncertain significance. Last evaluated: 2024-03-18. Review status: criteria provided, single submitter. Criteria: GeneDx Variant Classification Process June 2021. Collection method: clinical testing. Allele origin: germline. Affected: yes.
Comment: Has not been previously published as pathogenic or benign to our knowledge; Not observed at significant frequency in large population cohorts (gnomAD); In silico analysis supports that this missense variant does not alter protein structure/function

NM_000836.4(GRIN2D):c.2723C>G (p.Pro908Arg)

Gene: GRIN2D (glutamate ionotropic receptor NMDA type subunit 2D; plus strand). Cytogenetic location: 19q13.33.
Variant type: single nucleotide variant.
Coding change: c.2723C>G on transcript NM_000836.4 (MANE Select); coding-DNA position 2723, C replaced by G.
Protein change: p.Pro908Arg; replaces proline 908 with arginine.
Molecular consequence: missense variant.
Genome position (GRCh38, 1-based): chr19:48,442,649, C>G. VCF-style: chr19-48442649-C-G. GRCh37 (hg19) VCF-style: chr19-48945906-C-G.
Other names: short protein forms P908R.
Identifiers: ClinVar variation 3370911 (VCV003370911.1).